The following is an entry in ClinVar:

NM_020207.7(ERCC6L2):c.2739A>T (p.Arg913Ser)

Gene: ERCC6L2 (ERCC excision repair 6 like 2; plus strand). Cytogenetic location: 9q22.32.
Variant type: single nucleotide variant.
Coding change: c.2739A>T on transcript NM_020207.7 (MANE Select); coding-DNA position 2739, A replaced by T.
Protein change: p.Arg913Ser; replaces arginine 913 with serine.
Molecular consequence: missense variant. On other transcripts: non-coding transcript variant (1).
Genome position (GRCh38, 1-based): chr9:95,972,490, A>T. VCF-style: chr9-95972490-A-T. GRCh37 (hg19) VCF-style: chr9-98734772-A-T.
Other names: c.2739A>T, p.Arg913Ser (NM_001375291.1, NM_001375292.1, NM_001375293.1 and 1 more transcripts); short protein forms R913S.
Identifiers: ClinVar variation 1897125 (VCV001897125.3), dbSNP rs751183120, ClinGen allele CA5139831.

ClinVar aggregate classification (germline): Uncertain significance. Review status: criteria provided, multiple submitters, no conflicts (2 of 4 stars). 2 submissions from 2 submitters: Uncertain significance (2). Last evaluated 2023-11-20.

Allele frequency attached by ClinVar (database versions not stated): gnomAD exomes 0.00002; TOPMed 0.00005; gnomAD 0.00006; ExAC 0.00014.

Submissions (2):

Blueprint Genetics
Classification: Uncertain significance. Last evaluated: 2023-11-20. Review status: criteria provided, single submitter. Criteria: ACMG Guidelines, 2015. Collection method: clinical testing. Allele origin: germline.

Labcorp Genetics (formerly Invitae), Labcorp
Classification: Uncertain significance. Last evaluated: 2022-07-04. Review status: criteria provided, single submitter. Criteria: Invitae Variant Classification Sherloc (09022015). Collection method: clinical testing. Allele origin: germline.
Comment: This sequence change replaces arginine, which is basic and polar, with serine, which is neutral and polar, at codon 924 of the ERCC6L2 protein (p.Arg924Ser). This variant is present in population databases (rs751183120, gnomAD 0.05%). This variant has not been reported in the literature in individuals affected with ERCC6L2-related conditions. Algorithms developed to predict the effect of missense changes on protein structure and function are either unavailable or do not agree on the potential impact of this missense change (SIFT: "Tolerated"; PolyPhen-2: "Not Available"; Align-GVGD: "Class C0"). In summary, the available evidence is currently insufficient to determine the role of this variant in disease. Therefore, it has been classified as a Variant of Uncertain Significance.